The following is an entry in ClinVar:

NM_001144967.3(NEDD4L):c.328G>A (p.Val110Met)

Genes: NEDD4L (NEDD4 like E3 ubiquitin protein ligase; plus strand), LOC126862763 (CDK7 strongly-dependent group 2 enhancer GRCh37_chr18:55982687-55983886; plus strand). Cytogenetic location: 18q21.31.
Variant type: single nucleotide variant.
Coding change: c.328G>A on transcript NM_001144967.3 (MANE Select); coding-DNA position 328, G replaced by A.
Protein change: p.Val110Met; replaces valine 110 with methionine.
Molecular consequence: missense variant. On other transcripts: 5 prime UTR variant (5).
Genome position (GRCh38, 1-based): chr18:58,316,012, G>A. VCF-style: chr18-58316012-G-A. GRCh37 (hg19) VCF-style: chr18-55983244-G-A.
Other names: c.-36G>A (NM_001144964.1, NM_001144965.2, NM_001144966.3 and 2 more transcripts); c.304G>A, p.Val102Met (NM_001144968.2, NM_001144969.2); c.328G>A, p.Val110Met (NM_001243960.2, NM_015277.6); short protein forms V102M, V110M.
Identifiers: ClinVar variation 1359734 (VCV001359734.8), dbSNP rs777311647, ClinGen allele CA8975307.

ClinVar aggregate classification (germline): Uncertain significance. Review status: criteria provided, multiple submitters, no conflicts (2 of 4 stars). 3 submissions from 3 submitters: Uncertain significance (3). Last evaluated 2024-11-06.

Conditions:
Periventricular nodular heterotopia 7 (PVNH7). Identifiers: MedGen C4310669, MONDO:0014966, OMIM 617201.

Allele frequency attached by ClinVar (database versions not stated): gnomAD 0.00001; TOPMed 0.00002.
gnomAD v4.1: 18 of 1,613,458 alleles (0.0011%); highest among the groups gnomAD compares: Non-Finnish European, 0.0014%; no homozygotes.

Submissions (3):

Women's Health and Genetics/Laboratory Corporation of America, LabCorp
Classification: Uncertain significance. Last evaluated: 2024-11-06. Review status: criteria provided, single submitter. Criteria: LabCorp Variant Classification Summary - May 2015. Collection method: clinical testing. Allele origin: germline.
Comment: Variant summary: NEDD4L c.328G>A (p.Val110Met) results in a conservative amino acid change located in the C2 domain of the encoded protein sequence. Three of five in-silico tools predict a damaging effect of the variant on protein function. The variant allele was found at a frequency of 4e-06 in 249278 control chromosomes. The available data on variant occurrences in the general population are insufficient to allow any conclusion about variant significance. To our knowledge, no occurrence of c.328G>A in individuals affected with Periventricular Nodular Heterotopia 7 and no experimental evidence demonstrating its impact on protein function have been reported. ClinVar contains an entry for this variant (Variation ID: 1359734). Based on the evidence outlined above, the variant was classified as uncertain significance.

Labcorp Genetics (formerly Invitae), Labcorp
Classification: Uncertain significance. Last evaluated: 2023-05-01. Review status: criteria provided, single submitter. Criteria: Invitae Variant Classification Sherloc (09022015). Collection method: clinical testing. Allele origin: germline.
Comment: This variant has not been reported in the literature in individuals affected with NEDD4L-related conditions. In summary, the available evidence is currently insufficient to determine the role of this variant in disease. Therefore, it has been classified as a Variant of Uncertain Significance. Advanced modeling of protein sequence and biophysical properties (such as structural, functional, and spatial information, amino acid conservation, physicochemical variation, residue mobility, and thermodynamic stability) performed at Invitae indicates that this missense variant is not expected to disrupt NEDD4L protein function. ClinVar contains an entry for this variant (Variation ID: 1359734). This variant is present in population databases (rs777311647, gnomAD 0.005%). This sequence change replaces valine, which is neutral and non-polar, with methionine, which is neutral and non-polar, at codon 110 of the NEDD4L protein (p.Val110Met).

Fulgent Genetics
Classification: Uncertain significance for Periventricular nodular heterotopia 7. Last evaluated: 2021-12-27. Review status: criteria provided, single submitter. Criteria: ACMG Guidelines, 2015. Collection method: clinical testing. Allele origin: unknown.